The following is an entry in ClinVar:

ClinVar aggregate classification (germline): Uncertain significance (1 of 4 stars; one submission).

Submission:

Labcorp Genetics (formerly Invitae), Labcorp
Classification: Uncertain significance. Last evaluated: 2024-10-29. Review status: criteria provided, single submitter. Criteria: Invitae Variant Classification Sherloc (09022015). Collection method: clinical testing. Allele origin: germline.
Comment: This sequence change replaces valine, which is neutral and non-polar, with methionine, which is neutral and non-polar, at codon 630 of the HSPG2 protein (p.Val630Met). This variant is not present in population databases (gnomAD no frequency). This variant has not been reported in the literature in individuals affected with HSPG2-related conditions. An algorithm developed to predict the effect of missense changes on protein structure and function (PolyPhen-2) suggests that this variant is likely to be disruptive. In summary, the available evidence is currently insufficient to determine the role of this variant in disease. Therefore, it has been classified as a Variant of Uncertain Significance.

NM_005529.7(HSPG2):c.1888G>A (p.Val630Met)

Gene: HSPG2 (heparan sulfate proteoglycan 2; minus strand). Cytogenetic location: 1p36.12.
Variant type: single nucleotide variant.
Coding change: c.1888G>A on transcript NM_005529.7 (MANE Select); coding-DNA position 1888, G replaced by A.
Protein change: p.Val630Met; replaces valine 630 with methionine.
Molecular consequence: missense variant.
Genome position (GRCh38, 1-based): chr1:21,880,766, C>T on the plus strand (G>A on the coding strand, the complement: HSPG2 is on the minus strand). VCF-style: chr1-21880766-C-T. GRCh37 (hg19) VCF-style: chr1-22207259-C-T.
Other names: c.1891G>A, p.Val631Met (NM_001291860.2); short protein forms V630M, V631M.
Identifiers: ClinVar variation 3656983 (VCV003656983.1).